The following is an entry in ClinVar:

NM_004963.4(GUCY2C):c.2890G>T (p.Val964Leu)

Genes: GUCY2C (guanylate cyclase 2C; minus strand), PLBD1-AS1 (PLBD1 antisense RNA 1; plus strand). Cytogenetic location: 12p12.3.
Variant type: single nucleotide variant.
Coding change: c.2890G>T on transcript NM_004963.4 (MANE Select); coding-DNA position 2890, G replaced by T.
Protein change: p.Val964Leu; replaces valine 964 with leucine.
Molecular consequence: missense variant.
Genome position (GRCh38, 1-based): chr12:14,616,713, C>A on the plus strand (G>T on the coding strand, the complement: GUCY2C is on the minus strand). VCF-style: chr12-14616713-C-A. GRCh37 (hg19) VCF-style: chr12-14769647-C-A.
Other names: c.2890G>T (NM_004963.3); short protein forms V964L.
Identifiers: ClinVar variation 1985135 (VCV001985135.5), dbSNP rs1382390012, ClinGen allele CA383991495.

ClinVar aggregate classification (germline): Uncertain significance. Review status: criteria provided, multiple submitters, no conflicts (2 of 4 stars). 2 submissions from 2 submitters: Uncertain significance (2). Last evaluated 2025-06-08.

Conditions:
Inborn genetic diseases. Identifiers: MedGen C0950123, MeSH D030342.

Allele frequency attached by ClinVar (database versions not stated): gnomAD 0.00001.
gnomAD v4.1: 4 of 1,600,024 alleles (0.00025%); highest among the groups gnomAD compares: Admixed American, 0.0033%; no homozygotes.

Submissions (2):

Labcorp Genetics (formerly Invitae), Labcorp
Classification: Uncertain significance. Last evaluated: 2025-06-08. Review status: criteria provided, single submitter. Criteria: Invitae Variant Classification Sherloc (09022015). Collection method: clinical testing. Allele origin: germline.
Comment: This sequence change replaces valine, which is neutral and non-polar, with leucine, which is neutral and non-polar, at codon 964 of the GUCY2C protein (p.Val964Leu). This variant is present in population databases (no rsID available, gnomAD 0.003%). This variant has not been reported in the literature in individuals affected with GUCY2C-related conditions. ClinVar contains an entry for this variant (Variation ID: 1985135). Invitae Evidence Modeling of protein sequence and biophysical properties (such as structural, functional, and spatial information, amino acid conservation, physicochemical variation, residue mobility, and thermodynamic stability) indicates that this missense variant is not expected to disrupt GUCY2C protein function with a negative predictive value of 80%. In summary, the available evidence is currently insufficient to determine the role of this variant in disease. Therefore, it has been classified as a Variant of Uncertain Significance.

Ambry Genetics
Classification: Uncertain significance for Inborn genetic diseases. Last evaluated: 2025-01-21. Review status: criteria provided, single submitter. Criteria: Ambry Variant Classification Scheme 2023. Collection method: clinical testing. Allele origin: germline.